The following is an entry in ClinVar:

NM_002872.5(RAC2):c.501C>T (p.Thr167=)

Gene: RAC2 (Rac family small GTPase 2; minus strand). Cytogenetic location: 22q13.1.
Variant type: single nucleotide variant.
Coding change: c.501C>T on transcript NM_002872.5 (MANE Select); coding-DNA position 501, C replaced by T.
Protein change: p.Thr167=; no amino-acid change (threonine 167 retained).
Molecular consequence: synonymous variant.
Genome position (GRCh38, 1-based): chr22:37,226,751, G>A on the plus strand (C>T on the coding strand, the complement: RAC2 is on the minus strand). VCF-style: chr22-37226751-G-A. GRCh37 (hg19) VCF-style: chr22-37622791-G-A.
Identifiers: ClinVar variation 533473 (VCV000533473.25), dbSNP rs79799102, ClinGen allele CA10217471.
Genomic context (GRCh38, chr22:37,226,751, plus strand): 5'-GCGCTTCTGCTGCCGCGTGGGCTGAGGGCACAGCACGGCCCGGATGGCCTCGTCGAACAC[G>A]GTTTTCAGGCCTCTCTGGGTGAGAGCTGAGCACTCCAGGTATTTCACCGAGTCTGGTTGG-3'
Protein context (NP_002863.1, residues 157-177): CSALTQRGLK[Thr167=]VFDEAIRAVL

ClinVar aggregate classification (germline): Benign/Likely benign. Review status: criteria provided, multiple submitters, no conflicts (2 of 4 stars). 4 submissions from 4 submitters: Benign (2); Likely benign (1). 1 of the submissions does not count toward it. Last evaluated 2026-01-24.

Conditions:
RAC2-related disorder. Also called: RAC2-related condition.
Neutrophil immunodeficiency syndrome. Also called: Immunodeficiency 73A with defective neutrophil chemotaxis and leukocytosis. Identifiers: Orphanet 183707, MedGen C1842398, MONDO:0011988, OMIM 608203.

Allele frequency attached by ClinVar (database versions not stated): gnomAD 0.00067 and 0.00089; ESP Exome Variant Server 0.00077; TOPMed 0.00100; gnomAD exomes 0.00178; ExAC 0.00182; 1000 Genomes Project 0.00399; 1000 Genomes Project 30x 0.00406.
gnomAD v4.1: 1,276 of 1,613,170 alleles (0.079%); highest among the groups gnomAD compares: East Asian, 1.8%; 11 homozygotes.

Submissions (4):

Labcorp Genetics (formerly Invitae), Labcorp
Classification: Benign for Neutrophil immunodeficiency syndrome. Last evaluated: 2026-01-24. Review status: criteria provided, single submitter. Criteria: Invitae Variant Classification Sherloc (09022015). Collection method: clinical testing. Allele origin: germline.

ARUP Laboratories, Molecular Genetics and Genomics, ARUP Laboratories
Classification: Benign. Last evaluated: 2025-03-14. Review status: criteria provided, single submitter. Criteria: ARUP Molecular Germline Variant Investigation Process 2024. Collection method: clinical testing. Allele origin: germline.

Blueprint Genetics
Classification: Likely benign. Last evaluated: 2024-11-21. Review status: criteria provided, single submitter. Criteria: ACMG Guidelines, 2015. Collection method: clinical testing. Allele origin: germline.

PreventionGenetics, part of Exact Sciences
Classification: Benign for RAC2-related condition. Last evaluated: 2019-06-06. Review status: no assertion criteria provided. Collection method: clinical testing. Allele origin: germline. Not counted in ClinVar's aggregate classification.
Comment: This variant is classified as benign based on ACMG/AMP sequence variant interpretation guidelines (Richards et al. 2015 PMID: 25741868, with internal and published modifications).